The following is an entry in ClinVar:

ClinVar aggregate classification (germline): Uncertain significance (1 of 4 stars; one submission).

Allele frequency attached by ClinVar (database versions not stated): ExAC 0.00001; gnomAD 0.00001; gnomAD exomes 0.00001; TOPMed 0.00001.
gnomAD v4.1: 7 of 1,612,238 alleles (0.00043%); highest among the groups gnomAD compares: Admixed American, 0.0033%; no homozygotes.

Submission:

Labcorp Genetics (formerly Invitae), Labcorp
Classification: Uncertain significance. Last evaluated: 2024-02-29. Review status: criteria provided, single submitter. Criteria: Invitae Variant Classification Sherloc (09022015). Collection method: clinical testing. Allele origin: germline.
Comment: This sequence change replaces histidine, which is basic and polar, with tyrosine, which is neutral and polar, at codon 697 of the RNF43 protein (p.His697Tyr). This variant is present in population databases (rs753119589, gnomAD 0.007%). This variant has not been reported in the literature in individuals affected with RNF43-related conditions. ClinVar contains an entry for this variant (Variation ID: 1450991). An algorithm developed to predict the effect of missense changes on protein structure and function (PolyPhen-2) suggests that this variant is likely to be tolerated. In summary, the available evidence is currently insufficient to determine the role of this variant in disease. Therefore, it has been classified as a Variant of Uncertain Significance.

NM_017763.6(RNF43):c.2089C>T (p.His697Tyr)

Gene: RNF43 (ring finger protein 43; minus strand). Cytogenetic location: 17q22.
Variant type: single nucleotide variant.
Coding change: c.2089C>T on transcript NM_017763.6 (MANE Select); coding-DNA position 2089, C replaced by T.
Protein change: p.His697Tyr; replaces histidine 697 with tyrosine.
Molecular consequence: missense variant.
Genome position (GRCh38, 1-based): chr17:58,357,687, G>A on the plus strand (C>T on the coding strand, the complement: RNF43 is on the minus strand). VCF-style: chr17-58357687-G-A. GRCh37 (hg19) VCF-style: chr17-56435048-G-A.
Other names: c.2089C>T, p.His697Tyr (NM_001305544.3); c.1708C>T, p.His570Tyr (NM_001305545.2); short protein forms H697Y, H570Y.
Identifiers: ClinVar variation 1450991 (VCV001450991.8), dbSNP rs753119589, ClinGen allele CA8673070.